The following is an entry in ClinVar:

ClinVar aggregate classification (germline): Pathogenic/Likely pathogenic. Review status: criteria provided, multiple submitters, no conflicts (2 of 4 stars). 3 submissions from 3 submitters: Pathogenic (1); Likely pathogenic (2). Last evaluated 2025-08-25.

Conditions:
5-Oxoprolinase deficiency (OPLAHD). Also called: 5-OXOPROLINURIA DUE TO 5-OXOPROLINASE DEFICIENCY. Identifiers: Orphanet 33572, MedGen C0268525, MONDO:0009825, OMIM 260005, HP:0040142.

Allele frequency attached by ClinVar (database versions not stated): gnomAD exomes 0.00001 and 0.00002; TOPMed 0.00001; ExAC 0.00004; gnomAD 0.00001.
gnomAD v4.1: 16 of 1,597,118 alleles (0.001%); highest among the groups gnomAD compares: Admixed American, 0.0086%; no homozygotes.

Submissions (3):

Variantyx, Inc.
Classification: Likely pathogenic for 5-Oxoprolinase deficiency. Last evaluated: 2025-08-25. Review status: criteria provided, single submitter. Criteria: Variantyx Assertion Criteria 2022. Collection method: clinical testing. Allele origin: germline. Inheritance: Autosomal recessive inheritance.
Comment: This is a nonsense variant in the OPLAH gene (OMIM: 614243). Pathogenic variants in this gene have been associated with autosomal dominant or autosomal recessive 5-oxoprolinase deficiency. This variant introduces a premature termination codon in exon 21 out of 27 and is expected to result in loss of function, which is a known disease mechanism for OPLAH in this disorder (PMID: 21651516, 27477828) (PVS1). This variant has a 0.0086% maximum allele frequency in non-founder control populations (PM2). Based on the current evidence, this variant is classified as likely pathogenic for autosomal dominant or autosomal recessive 5-oxoprolinase deficiency.

Labcorp Genetics (formerly Invitae), Labcorp
Classification: Pathogenic for 5-Oxoprolinase deficiency. Last evaluated: 2023-12-15. Review status: criteria provided, single submitter. Criteria: Invitae Variant Classification Sherloc (09022015). Collection method: clinical testing. Allele origin: germline.
Comment: This sequence change creates a premature translational stop signal (p.Gln1006*) in the OPLAH gene. It is expected to result in an absent or disrupted protein product. Loss-of-function variants in OPLAH are known to be pathogenic (PMID: 21651516, 27477828). This variant is present in population databases (rs782331682, gnomAD 0.01%). This variant has not been reported in the literature in individuals affected with OPLAH-related conditions. ClinVar contains an entry for this variant (Variation ID: 1459596). Algorithms developed to predict the effect of sequence changes on RNA splicing suggest that this variant may disrupt the consensus splice site. For these reasons, this variant has been classified as Pathogenic.

Fulgent Genetics
Classification: Likely pathogenic for 5-Oxoprolinase deficiency. Last evaluated: 2021-12-17. Review status: criteria provided, single submitter. Criteria: ACMG Guidelines, 2015. Collection method: clinical testing. Allele origin: unknown.

Literature cited by the submitters: PubMed 21651516 (cited by Variantyx, Inc. and Labcorp Genetics (formerly Invitae), Labcorp); PubMed 27477828 (cited by Variantyx, Inc. and Labcorp Genetics (formerly Invitae), Labcorp).

NM_017570.5(OPLAH):c.3016C>T (p.Gln1006Ter)

Gene: OPLAH (5-oxoprolinase, ATP-hydrolysing; minus strand). Cytogenetic location: 8q24.3.
Variant type: single nucleotide variant.
Coding change: c.3016C>T on transcript NM_017570.5 (MANE Select); coding-DNA position 3016, C replaced by T.
Protein change: p.Gln1006Ter; replaces glutamine 1006 with a stop codon.
Molecular consequence: nonsense.
Genome position (GRCh38, 1-based): chr8:144,052,985, G>A on the plus strand (C>T on the coding strand, the complement: OPLAH is on the minus strand). VCF-style: chr8-144052985-G-A. GRCh37 (hg19) VCF-style: chr8-145107888-G-A.
Other names: short protein forms Q1006*.
Identifiers: ClinVar variation 1459596 (VCV001459596.7), dbSNP rs782331682, ClinGen allele CA4931264.